The following is an entry in ClinVar:

GRCh38/hg38 2p11.2(chr2:87148954-87705899)x1

Genes: CYTOR (cytoskeleton regulator RNA; plus strand), LINC01943 (long intergenic non-protein coding RNA 1943; minus strand), MIR4435-1 (microRNA 4435-1; plus strand), MIR4771-1 (microRNA 4771-1; plus strand), NCAL1 (NK cell activity associated lncRNA 1; plus strand) and 1 more. Cytogenetic location: 2p11.2.
Variant type: copy number loss.
Change: copy number 1 (one copy instead of two) of chr2:87,148,954-87,705,899 (556.9 kb, GRCh38 coordinates, 1-based), cytogenetic band 2p11.2.
Identifiers: ClinVar variation 161013 (VCV000161013.1).

ClinVar aggregate classification (germline): Benign (1 of 4 stars; one submission).

Submission:

ISCA site 4
Classification: Benign. Last evaluated: 2011-08-12. Review status: criteria provided, single submitter. Criteria: Kaminsky et al. (Genet Med. 2011). Collection method: clinical testing. Allele origin: unknown. Affected: yes. Observed: 1 variant allele.
Comment: Copy number variation identified through the course of routine clinical cytogenomic testing in postnatal populations. Clinical assertions have been curated as described in Kaminsky et al. 2011.